The following is an entry in ClinVar:

NM_001034853.2(RPGR):c.1088_1089delinsA (p.Val363fs)

Gene: RPGR (retinitis pigmentosa GTPase regulator; minus strand). Cytogenetic location: Xp11.4.
Variant type: Indel.
Coding change: c.1088_1089delinsA on transcript NM_001034853.2 (MANE Select); coding-DNA positions 1088 to 1089, TT replaced by A.
Protein change: p.Val363fs; shifts the reading frame from valine 363.
Molecular consequence: frameshift variant. On other transcripts: intron variant (2), non-coding transcript variant (6).
Genome position (GRCh38, 1-based): chrX:38,299,112-38,299,113, AA replaced by T on the plus strand (TT replaced by A on the coding strand, the reverse complement: RPGR is on the minus strand). VCF-style: chrX-38299112-AA-T. GRCh37 (hg19) VCF-style: chrX-38158365-AA-T.
Other names: c.1060-1661_1060-1660delinsA (NM_001367251.1, NM_001367246.1); c.1088_1089delinsA, p.Val363fs (NM_000328.3, NM_001367247.1); c.1085_1086delinsA, p.Val362fs (NM_001367245.1, NM_001367249.1, NM_001367250.1); c.1118_1119delinsA, p.Val373fs (NM_001367248.1); short protein forms V363fs, V362fs, V373fs.
Identifiers: ClinVar variation 5000024 (VCV005000024.1).
Genomic context (GRCh38, chrX:38,299,112, plus strand): 5'-AGTATCATTTATTTCATCGAATTCAATTTCTTTTGCCACACCACGATGAGGAGCAGCAAA[AA>T]CTACCATGTGACATCCACCACAAGCAACCTGCAGCATAAATCCACAGAAAAACTCATCAA-3'

ClinVar aggregate classification (germline): Pathogenic (1 of 4 stars; one submission).

Conditions:
RPGR-related disorder. Also called: RPGR-related condition.

Submission:

PreventionGenetics, part of Exact Sciences
Classification: Pathogenic for RPGR-related condition. Last evaluated: 2025-08-13. Review status: criteria provided, single submitter. Criteria: ACMG Guidelines, 2015. Collection method: clinical testing. Allele origin: germline.
Comment: The RPGR c.1088_1089delinsA variant is predicted to result in a frameshift and premature protein termination (p.Val363Aspfs*18). This variant has been reported in the hemizygous state in an individual with X-linked retinitis pigmentosa (XLRP; Wang et al. 2017. PubMed ID: 28838317). This variant has not been reported in a large population database (gnomAD), indicating this variant is rare. Frameshift variants in RPGR have been well-documented to cause X-linked retinitis pigmentosa (Carss et al. 2017. PubMed ID: 28041643; Martin-Merida et al. 2019. PubMed ID: 30902645). We interpret this variant as pathogenic.